The following is an entry in ClinVar:

ClinVar aggregate classification (germline): Uncertain significance (1 of 4 stars; one submission).

Allele frequency attached by ClinVar (database versions not stated): ExAC 0.00001; gnomAD exomes 0.00001.

Submission:

Labcorp Genetics (formerly Invitae), Labcorp
Classification: Uncertain significance. Last evaluated: 2025-01-06. Review status: criteria provided, single submitter. Criteria: Invitae Variant Classification Sherloc (09022015). Collection method: clinical testing. Allele origin: germline.
Comment: This sequence change replaces arginine, which is basic and polar, with cysteine, which is neutral and slightly polar, at codon 154 of the DNAJC17 protein (p.Arg154Cys). This variant is present in population databases (rs748186644, gnomAD 0.003%). This variant has not been reported in the literature in individuals affected with DNAJC17-related conditions. ClinVar contains an entry for this variant (Variation ID: 3006300). An algorithm developed to predict the effect of missense changes on protein structure and function (PolyPhen-2) suggests that this variant is likely to be disruptive. In summary, the available evidence is currently insufficient to determine the role of this variant in disease. Therefore, it has been classified as a Variant of Uncertain Significance.

NM_018163.3(DNAJC17):c.460C>T (p.Arg154Cys)

Gene: DNAJC17 (DnaJ heat shock protein family (Hsp40) member C17; minus strand). Cytogenetic location: 15q15.1.
Variant type: single nucleotide variant.
Coding change: c.460C>T on transcript NM_018163.3 (MANE Select); coding-DNA position 460, C replaced by T.
Protein change: p.Arg154Cys; replaces arginine 154 with cysteine.
Molecular consequence: missense variant.
Genome position (GRCh38, 1-based): chr15:40,776,214, G>A on the plus strand (C>T on the coding strand, the complement: DNAJC17 is on the minus strand). VCF-style: chr15-40776214-G-A. GRCh37 (hg19) VCF-style: chr15-41068412-G-A.
Other names: short protein forms R154C.
Identifiers: ClinVar variation 3006300 (VCV003006300.3), dbSNP rs748186644, ClinGen allele CA7485145.